The following is an entry in ClinVar:

NM_005085.4(NUP214):c.1003C>A (p.Gln335Lys)

Gene: NUP214 (nucleoporin 214; plus strand). Cytogenetic location: 9q34.13.
Variant type: single nucleotide variant.
Coding change: c.1003C>A on transcript NM_005085.4 (MANE Select); coding-DNA position 1003, C replaced by A.
Protein change: p.Gln335Lys; replaces glutamine 335 with lysine.
Molecular consequence: missense variant.
Genome position (GRCh38, 1-based): chr9:131,136,004, C>A. VCF-style: chr9-131136004-C-A. GRCh37 (hg19) VCF-style: chr9-134011391-C-A.
Other names: c.1003C>A, p.Gln335Lys (NM_001318324.2); short protein forms Q335K.
Identifiers: ClinVar variation 1026498 (VCV001026498.8), dbSNP rs762427456, ClinGen allele CA5288868.

ClinVar aggregate classification (germline): Uncertain significance (1 of 4 stars; one submission).

Allele frequency attached by ClinVar (database versions not stated): ExAC 0.00001; gnomAD 0.00001; gnomAD exomes below 0.00001; TOPMed below 0.00001.
gnomAD v4.1: 7 of 1,610,178 alleles (0.00043%); highest among the groups gnomAD compares: Non-Finnish European, 0.00034%; no homozygotes.

Submission:

Labcorp Genetics (formerly Invitae), Labcorp
Classification: Uncertain significance. Last evaluated: 2020-09-17. Review status: criteria provided, single submitter. Criteria: Invitae Variant Classification Sherloc (09022015). Collection method: clinical testing. Allele origin: germline.
Comment: In summary, the available evidence is currently insufficient to determine the role of this variant in disease. Therefore, it has been classified as a Variant of Uncertain Significance. Algorithms developed to predict the effect of missense changes on protein structure and function are either unavailable or do not agree on the potential impact of this missense change (SIFT: "Deleterious"; PolyPhen-2: "Not Available"; Align-GVGD: "Class C45"). This variant has not been reported in the literature in individuals with NUP214-related conditions. This variant is present in population databases (rs762427456, ExAC 0.001%). This sequence change replaces glutamine with lysine at codon 335 of the NUP214 protein (p.Gln335Lys). The glutamine residue is highly conserved and there is a small physicochemical difference between glutamine and lysine.